The following is an entry in ClinVar:

NM_021009.7(UBC):c.51T>G (p.Val17=)

Gene: UBC (ubiquitin C; minus strand). Cytogenetic location: 12q24.31.
Variant type: single nucleotide variant.
Coding change: c.51T>G on transcript NM_021009.7 (MANE Select); coding-DNA position 51, T replaced by G.
Protein change: p.Val17=; no amino-acid change (valine 17 retained).
Molecular consequence: synonymous variant.
Genome position (GRCh38, 1-based): chr12:124,913,721, A>C on the plus strand (T>G on the coding strand, the complement: UBC is on the minus strand). VCF-style: chr12-124913721-A-C. GRCh37 (hg19) VCF-style: chr12-125398267-A-C.
Identifiers: ClinVar variation 4084075 (VCV004084075.8).

ClinVar aggregate classification (germline): Likely benign (1 of 4 stars; one submission).

Submission:

CeGaT Center for Human Genetics Tuebingen
Classification: Likely benign. Last evaluated: 2025-06-01. Review status: criteria provided, single submitter. Criteria: CeGaT Center For Human Genetics Tuebingen Variant Classification Criteria Version 2. Collection method: clinical testing. Allele origin: germline. Affected: yes. Observed: 1 variant allele.
Comment: UBC: BP4, BP7